The following is an entry in ClinVar:

ClinVar aggregate classification (germline): Benign/Likely benign. Review status: criteria provided, multiple submitters, no conflicts (2 of 4 stars). 2 submissions from 2 submitters: Benign (1); Likely benign (1). Last evaluated 2024-11-26.

Allele frequency attached by ClinVar (database versions not stated): gnomAD 0.01238; TOPMed 0.01948; 1000 Genomes Project 0.03295; 1000 Genomes Project 30x 0.03560.
gnomAD v4.1: 1,900 of 152,262 alleles (1.2%); highest among the groups gnomAD compares: Admixed American, 8%; 87 homozygotes.

Submissions (2):

Blueprint Genetics
Classification: Likely benign. Last evaluated: 2024-11-26. Review status: criteria provided, single submitter. Criteria: ACMG Guidelines, 2015. Collection method: clinical testing. Allele origin: germline.

Unidad de Genómica Garrahan, Hospital de Pediatría Garrahan
Classification: Benign. Last evaluated: 2024-01-24. Review status: criteria provided, single submitter. Criteria: ACMG Guidelines, 2015. Collection method: clinical testing. Allele origin: germline. Affected: no. Observed: 19 variant alleles.
Comment: This variant is classified as Benign based on local population frequency. This variant was detected in 22% of patients studied by a panel of primary immunodeficiencies. Number of patients: 19. Only high quality variants are reported.

NM_003467.3(CXCR4):c.16-755G>A

Gene: CXCR4 (C-X-C motif chemokine receptor 4; minus strand). Cytogenetic location: 2q22.1.
Variant type: single nucleotide variant.
Coding change: c.16-755G>A on transcript NM_003467.3 (MANE Select); 755 bases into the intron before coding-DNA position 16, G replaced by A.
Molecular consequence: intron variant. On other transcripts: missense variant (2).
Genome position (GRCh38, 1-based): chr2:136,116,667, C>T on the plus strand (G>A on the coding strand, the complement: CXCR4 is on the minus strand). VCF-style: chr2-136116667-C-T. GRCh37 (hg19) VCF-style: chr2-136874237-C-T.
Other names: c.37G>A, p.Val13Ile (NM_001348056.2, NM_001348059.2); c.-30-755G>A (NM_001348060.2); short protein forms V13I.
Identifiers: ClinVar variation 2688504 (VCV002688504.3), dbSNP rs117273229, ClinGen allele CA56886726.